The following is an entry in ClinVar:

ClinVar aggregate classification (germline): Likely benign (1 of 4 stars; one submission).

Submission:

CeGaT Center for Human Genetics Tuebingen
Classification: Likely benign. Last evaluated: 2025-08-01. Review status: criteria provided, single submitter. Criteria: CeGaT Center For Human Genetics Tuebingen Variant Classification Criteria Version 2. Collection method: clinical testing. Allele origin: germline. Affected: yes. Observed: 1 variant allele.
Comment: SMARCA4: PM2:Supporting, BP4, BP7

NM_003072.5(SMARCA4):c.1648C>T (p.Leu550=)

Gene: SMARCA4 (SWI/SNF related BAF chromatin remodeling complex subunit ATPase 4; plus strand). Cytogenetic location: 19p13.2.
Variant type: single nucleotide variant.
Coding change: c.1648C>T on transcript NM_003072.5 (MANE Select); coding-DNA position 1648, C replaced by T.
Protein change: p.Leu550=; no amino-acid change (leucine 550 retained).
Molecular consequence: synonymous variant. On other transcripts: non-coding transcript variant (1).
Genome position (GRCh38, 1-based): chr19:10,996,267, C>T. VCF-style: chr19-10996267-C-T. GRCh37 (hg19) VCF-style: chr19-11106943-C-T.
Other names: c.1648C>T, p.Leu550= (NM_001128844.3, NM_001128845.2, NM_001128846.2 and 6 more transcripts).
Identifiers: ClinVar variation 4085787 (VCV004085787.8).